The following is an entry in ClinVar:

NM_000059.4(BRCA2):c.8150C>T (p.Ala2717Val)

Gene: BRCA2 (BRCA2 DNA repair associated; plus strand). Cytogenetic location: 13q13.1.
Variant type: single nucleotide variant.
Coding change: c.8150C>T on transcript NM_000059.4 (MANE Select); coding-DNA position 8150, C replaced by T.
Protein change: p.Ala2717Val; replaces alanine 2717 with valine.
Molecular consequence: missense variant.
Genome position (GRCh38, 1-based): chr13:32,363,352, C>T. VCF-style: chr13-32363352-C-T. GRCh37 (hg19) VCF-style: chr13-32937489-C-T.
Other names: short protein forms A2717V.
Identifiers: ClinVar variation 231551 (VCV000231551.17), dbSNP rs876659220, ClinGen allele CA10579768.
Genomic context (GRCh38, chr13:32,363,352, plus strand): 5'-GCGCAAATATATCTGAAACTTCTAGCAATAAAACTAGTAGTGCAGATACCCAAAAAGTGG[C>T]CATTATTGAACTTACAGATGGGTGGTATGCTGTTAAGGCCCAGTTAGATCCTCCCCTCTT-3'
Protein context (NP_000050.3, residues 2707-2727): KTSSADTQKV[Ala2717Val]IIELTDGWYA

ClinVar aggregate classification (germline): Conflicting classifications of pathogenicity. Review status: criteria provided, conflicting classifications (1 of 4 stars). 3 submissions from 3 submitters: Uncertain significance (2); Likely benign (1). Last evaluated 2025-05-08.

Conditions:
Hereditary cancer-predisposing syndrome. Also called: Neoplastic Syndromes, Hereditary; Tumor predisposition; Hereditary Cancer Syndrome; Hereditary neoplastic syndrome. Identifiers: Orphanet 140162, MedGen C0027672, MeSH D009386, MONDO:0015356.
Hereditary breast ovarian cancer syndrome. Also called: BRCA1- and BRCA2-Associated Hereditary Breast and Ovarian Cancer; Hereditary breast and ovarian cancer syndrome; Hereditary breast and ovarian cancer; Hereditary breast and ovarian cancer syndrome (HBOC); Breast and ovarian cancer; Hereditary breast and/or ovarian cancer syndrome. Identifiers: Orphanet 145, MedGen C0677776, MeSH D061325, MONDO:0003582. Disease mechanism: loss of function.

Submissions (3):

Ambry Genetics
Classification: Likely benign for Hereditary cancer-predisposing syndrome. Last evaluated: 2025-05-08. Review status: criteria provided, single submitter. Criteria: Ambry Variant Classification Scheme 2023. Collection method: clinical testing. Allele origin: germline.

Color Diagnostics, LLC DBA Color Health
Classification: Uncertain significance for Hereditary cancer-predisposing syndrome. Last evaluated: 2019-06-08. Review status: criteria provided, single submitter. Criteria: ACMG Guidelines, 2015. Collection method: clinical testing. Allele origin: germline.

Labcorp Genetics (formerly Invitae), Labcorp
Classification: Uncertain significance for Hereditary breast ovarian cancer syndrome. Last evaluated: 2018-07-03. Review status: criteria provided, single submitter. Criteria: Invitae Variant Classification Sherloc (09022015). Collection method: clinical testing. Allele origin: germline.
Comment: In summary, the available evidence is currently insufficient to determine the role of this variant in disease. Therefore, it has been classified as a Variant of Uncertain Significance. Algorithms developed to predict the effect of missense changes on protein structure and function are either unavailable or do not agree on the potential impact of this missense change (SIFT: "Tolerated"; PolyPhen-2: "Possibly Damaging"; Align-GVGD: "Class C0"). This variant has not been reported in the literature in individuals with BRCA2-related disease. ClinVar contains an entry for this variant (Variation ID: 231551). This variant is not present in population databases (ExAC no frequency). This sequence change replaces alanine with valine at codon 2717 of the BRCA2 protein (p.Ala2717Val). The alanine residue is moderately conserved and there is a small physicochemical difference between alanine and valine.